The following is an entry in ClinVar:

ClinVar aggregate classification (germline): Pathogenic. Review status: criteria provided, multiple submitters, no conflicts (2 of 4 stars). 5 submissions from 5 submitters: Pathogenic (5). Last evaluated 2026-05-20.

Conditions:
SMARCAL1-related disorder. Also called: SMARCAL1-related condition.
Osteosarcoma. Also called: Osteosarcoma (disease). Identifiers: MedGen C0029463, MeSH D012516, MONDO:0009807, HP:0002669.
Schimke immuno-osseous dysplasia (SIOD). Also called: Schimke Immunoosseous Dysplasia. Identifiers: Orphanet 1830, MedGen C0877024, MONDO:0009458, OMIM 242900.

Allele frequency attached by ClinVar (database versions not stated): ExAC 0.00002; gnomAD exomes 0.00002 and 0.00006; TOPMed 0.00004; gnomAD 0.00005 and 0.00006; 1000 Genomes Project 30x 0.00031.

Submissions (5):

Zero Childhood Cancer Program, Children's Cancer Institute
Classification: Pathogenic for Osteosarcoma. Last evaluated: 2026-05-20. Review status: criteria provided, single submitter. Criteria: Zero Childhood Cancer Program Assertion Criteria November2025. Collection method: research. Allele origin: germline. Inheritance: Autosomal dominant inheritance. Affected: yes.
Comment: The c.1190del (p.Leu397ArgfsTer40) variant in SMARCAL1 is a frameshift variant predicted to cause a premature stop codon in exon 7 of 18 leading to nonsense mediated decay in a gene in which loss-of-function is an established disease mechanism (PVS1: PMID: 4046357, 40996338). This variant is rare in GnomAD v4 (frequency of 0.0000239) (PM2_Supporting). There is a ClinVar entry for this variant (VCV000577921.12, 2 star review status) with 3 submitters classifying the variant as pathogenic. This variant has been reported in individuals diagnosed with Schimke immuno-osseous dysplasia in trans with another pathogenic variant (PMID: 11799392, 26499378) (PM3_Strong). For these reasons, this variant has been classified as pathogenic.

Labcorp Genetics (formerly Invitae), Labcorp
Classification: Pathogenic for Schimke immuno-osseous dysplasia. Last evaluated: 2025-05-04. Review status: criteria provided, single submitter. Criteria: Invitae Variant Classification Sherloc (09022015). Collection method: clinical testing. Allele origin: germline.
Comment: This sequence change creates a premature translational stop signal (p.Leu397Argfs*40) in the SMARCAL1 gene. It is expected to result in an absent or disrupted protein product. Loss-of-function variants in SMARCAL1 are known to be pathogenic (PMID: 11799392, 20301550). This variant is present in population databases (rs766291662, gnomAD 0.008%). This premature translational stop signal has been observed in individuals with Schimke immuno-osseous dysplasia (PMID: 11799392, 26499378). ClinVar contains an entry for this variant (Variation ID: 577921). For these reasons, this variant has been classified as Pathogenic.

Natera, Inc.
Classification: Pathogenic for Schimke immuno-osseous dysplasia. Last evaluated: 2025-03-10. Review status: criteria provided, single submitter. Criteria: Natera Variant Classification Schema (03/2026). Collection method: clinical testing. Allele origin: germline.
Comment: The c.1190delT variant in SMARCAL1 is a frameshift variant predicted to shift the reading frame beginning at codon 397 and leads to a stop codon 40 codons downstream. This variant is expected to result in nonsense mediated decay, truncation, or a dysfunctional protein product. This variant is rare in the general population with a frequency below the threshold expected for the associated phenotype(s). This variant has been observed in one or more individuals affected with the associated recessive disease, as either homozygous or compound heterozygous with a second variant (PMID: 11799392). Given the available evidence, this variant is classified as Pathogenic.

Fulgent Genetics
Classification: Pathogenic for Schimke immuno-osseous dysplasia. Last evaluated: 2022-04-12. Review status: criteria provided, single submitter. Criteria: ACMG Guidelines, 2015. Collection method: clinical testing. Allele origin: unknown.

Blueprint Genetics
Classification: Pathogenic for SMARCAL1-related disorders. Last evaluated: 2021-05-05. Review status: criteria provided, single submitter. Criteria: ACMG Guidelines, 2015. Collection method: clinical testing. Allele origin: germline. Affected: yes. Observed: 1 variant allele.

Literature cited by the submitters: PubMed 4046357 (cited by Zero Childhood Cancer Program, Children's Cancer Institute); PubMed 40996338 (cited by Zero Childhood Cancer Program, Children's Cancer Institute); PubMed 11799392 (cited by 3 submitters); PubMed 26499378 (cited by Zero Childhood Cancer Program, Children's Cancer Institute and Labcorp Genetics (formerly Invitae), Labcorp); PubMed 20301550 (cited by Labcorp Genetics (formerly Invitae), Labcorp).

NM_014140.4(SMARCAL1):c.1190del (p.Leu397fs)

Gene: SMARCAL1 (SNF2 related chromatin remodeling annealing helicase 1; plus strand). Cytogenetic location: 2q35.
Variant type: Deletion.
Coding change: c.1190del on transcript NM_014140.4 (MANE Select); coding-DNA position 1190, one base deleted (T; older notation c.1190delT).
Protein change: p.Leu397fs; shifts the reading frame from leucine 397.
Molecular consequence: frameshift variant.
Genome position (GRCh38, 1-based): chr2:216,428,638, T deleted. VCF-style (leftmost placement, unchanged base first): chr2-216428637-CT-C. GRCh37 (hg19) VCF-style: chr2-217293360-CT-C.
Other names: c.1190delT (NM_014140.3); c.1190del, p.Leu397fs (NM_001127207.2); short protein forms L397fs.
Identifiers: ClinVar variation 577921 (VCV000577921.15), dbSNP rs766291662, ClinGen allele CA2097810.